The following is an entry in ClinVar:

ClinVar aggregate classification (germline): Uncertain significance (1 of 4 stars; one submission).

Conditions:
Arrhythmogenic right ventricular dysplasia 11. Also called: Arrhythmogenic Right Ventricular Dysplasia/Cardiomyopathy11; ARRHYTHMOGENIC RIGHT VENTRICULAR DYSPLASIA, FAMILIAL, 11; Arrhythmogenic right ventricular dysplasia 11 with mild palmoplantar keratoderma and woolly hair. Identifiers: MedGen C1864850, MONDO:0012506, OMIM 610476.

Submission:

Labcorp Genetics (formerly Invitae), Labcorp
Classification: Uncertain significance for Arrhythmogenic right ventricular dysplasia 11. Last evaluated: 2020-05-11. Review status: criteria provided, single submitter. Criteria: Invitae Variant Classification Sherloc (09022015). Collection method: clinical testing. Allele origin: germline.
Comment: In summary, the available evidence is currently insufficient to determine the role of this variant in disease. Therefore, it has been classified as a Variant of Uncertain Significance. Algorithms developed to predict the effect of missense changes on protein structure and function (SIFT, PolyPhen-2, Align-GVGD) all suggest that this variant is likely to be tolerated, but these predictions have not been confirmed by published functional studies and their clinical significance is uncertain. This variant has not been reported in the literature in individuals with DSC2-related conditions. This variant is not present in population databases (ExAC no frequency). This sequence change replaces aspartic acid with alanine at codon 521 of the DSC2 protein (p.Asp521Ala). The aspartic acid residue is moderately conserved and there is a moderate physicochemical difference between aspartic acid and alanine.

NM_024422.6(DSC2):c.1562A>C (p.Asp521Ala)

Gene: DSC2 (desmocollin 2; minus strand). Cytogenetic location: 18q12.1.
Variant type: single nucleotide variant.
Coding change: c.1562A>C on transcript NM_024422.6 (MANE Select); coding-DNA position 1562, A replaced by C.
Protein change: p.Asp521Ala; replaces aspartic acid 521 with alanine.
Molecular consequence: missense variant.
Genome position (GRCh38, 1-based): chr18:31,079,948, T>G on the plus strand (A>C on the coding strand, the complement: DSC2 is on the minus strand). VCF-style: chr18-31079948-T-G. GRCh37 (hg19) VCF-style: chr18-28659914-T-G.
Other names: c.1562A>C, p.Asp521Ala (NM_004949.5); short protein forms D521A.
Identifiers: ClinVar variation 998897 (VCV000998897.8), dbSNP rs1987152292, ClinGen allele CA402108141.
Genomic context (GRCh38, chr18:31,079,948, plus strand): 5'-TTGATGGTCTCTGCCTCTCTATCCAGGCTTCTGAAAACTTTGATTGATCCTGTATTTTCA[T>G]CAATGGTGACCCACCCTGTTGGATCAGTTAATTTCTTATACCTGTTGGTAATGATGAATT-3'
Protein context (NP_077740.1, residues 511-531): LTDPTGWVTI[Asp521Ala]ENTGSIKVFR